The following is an entry in ClinVar:

NM_001165963.4(SCN1A):c.3611G>C (p.Trp1204Ser)

Genes: SCN1A (sodium voltage-gated channel alpha subunit 1; minus strand), LOC102724058 (uncharacterized LOC102724058; plus strand). Cytogenetic location: 2q24.3.
Variant type: single nucleotide variant.
Coding change: c.3611G>C on transcript NM_001165963.4 (MANE Select); coding-DNA position 3611, G replaced by C.
Protein change: p.Trp1204Ser; replaces tryptophan 1204 with serine.
Molecular consequence: missense variant. On other transcripts: non-coding transcript variant (1).
Genome position (GRCh38, 1-based): chr2:166,013,838, C>G on the plus strand (G>C on the coding strand, the complement: SCN1A is on the minus strand). VCF-style: chr2-166013838-C-G. GRCh37 (hg19) VCF-style: chr2-166870348-C-G.
Other names: c.3611G>C, p.Trp1204Ser (NM_001353948.2, NM_001202435.3); c.3578G>C, p.Trp1193Ser (NM_001353949.2, NM_001353950.2, NM_001353951.2 and 2 more transcripts); c.3575G>C, p.Trp1192Ser (NM_001353954.2, NM_001353955.2); c.3527G>C, p.Trp1176Ser (NM_001353957.2, NM_001353958.2, NM_001165964.3); c.3524G>C, p.Trp1175Ser (NM_001353960.2); c.1169G>C, p.Trp390Ser (NM_001353961.2); short protein forms W1193S, W1175S, W1192S, W1204S, W1176S, W390S.
Identifiers: ClinVar variation 947872 (VCV000947872.8), dbSNP rs1559149128, ClinGen allele CA349056159.
Genomic context (GRCh38, chr2:166,013,838, plus strand): 5'-ATGAAGGTCTCAAACCAGTTATGTTCAACTATTCGGAAACACGTCCTTCTCAGGTTCCAC[C>G]ATTGTTTTCCTCTGCCTTCTTCCACATTGATTTGACAACACTTGAATCTTTGTACACAGC-3'
Protein context (NP_001159435.1, residues 1194-1214): INVEEGRGKQ[Trp1204Ser]WNLRRTCFRI

ClinVar aggregate classification (germline): Likely pathogenic (1 of 4 stars; one submission).

Conditions:
Early-infantile DEE. Also called: Early infantile epileptic encephalopathy; Ohtahara syndrome; Early infantile epileptic encephalopathy with suppression bursts. Identifiers: Orphanet 1934, MedGen C0393706, MONDO:0800491.

Submission:

Labcorp Genetics (formerly Invitae), Labcorp
Classification: Likely pathogenic for Early-infantile DEE. Last evaluated: 2021-12-13. Review status: criteria provided, single submitter. Criteria: Invitae Variant Classification Sherloc (09022015). Collection method: clinical testing. Allele origin: germline.
Comment: This variant is not present in population databases (gnomAD no frequency). In summary, the currently available evidence indicates that the variant is pathogenic, but additional data are needed to prove that conclusively. Therefore, this variant has been classified as Likely Pathogenic. This variant disrupts the p.Trp1204 amino acid residue in SCN1A. Other variant(s) that disrupt this residue have been determined to be pathogenic (PMID: 11254445, 12086636, 12535936, 25576396). This suggests that this residue is clinically significant, and that variants that disrupt this residue are likely to be disease-causing. Advanced modeling of protein sequence and biophysical properties (such as structural, functional, and spatial information, amino acid conservation, physicochemical variation, residue mobility, and thermodynamic stability) performed at Invitae indicates that this missense variant is expected to disrupt SCN1A protein function. ClinVar contains an entry for this variant (Variation ID: 947872). This missense change has been observed in individual(s) with generalized epilepsy with febrile seizures plus (PMID: 21248271). This sequence change replaces tryptophan, which is neutral and slightly polar, with serine, which is neutral and polar, at codon 1204 of the SCN1A protein (p.Trp1204Ser).

Literature cited by the submitters: PubMed 11254445; PubMed 12086636; PubMed 12535936; PubMed 25576396; PubMed 21248271.